The following is an entry in ClinVar:

NM_003923.3(FOXH1):c.165G>A (p.Lys55=)

Gene: FOXH1 (forkhead box H1; minus strand). Cytogenetic location: 8q24.3.
Variant type: single nucleotide variant.
Coding change: c.165G>A on transcript NM_003923.3 (MANE Select); coding-DNA position 165, G replaced by A.
Protein change: p.Lys55=; no amino-acid change (lysine 55 retained).
Molecular consequence: synonymous variant.
Genome position (GRCh38, 1-based): chr8:144,475,592, C>T on the plus strand (G>A on the coding strand, the complement: FOXH1 is on the minus strand). VCF-style: chr8-144475592-C-T. GRCh37 (hg19) VCF-style: chr8-145700975-C-T.
Identifiers: ClinVar variation 1623550 (VCV001623550.9), dbSNP rs776865143, ClinGen allele CA4945667.

ClinVar aggregate classification (germline): Likely benign. Review status: criteria provided, multiple submitters, no conflicts (2 of 4 stars). 2 submissions from 2 submitters: Likely benign (2). Last evaluated 2026-09-01.

Conditions:
Holoprosencephaly sequence (HPE). Also called: Holoprosencephaly. Identifiers: Orphanet 2162, MedGen C0079541, MONDO:0016296, HP:0001360.

Allele frequency attached by ClinVar (database versions not stated): gnomAD exomes 0.00006; ExAC 0.00012; gnomAD 0.00015 and 0.00016.
gnomAD v4.1: 104 of 1,448,618 alleles (0.0072%); highest among the groups gnomAD compares: Admixed American, 0.052%; no homozygotes.

Submissions (2):

CeGaT Center for Human Genetics Tuebingen
Classification: Likely benign. Last evaluated: 2026-09-01. Review status: criteria provided, single submitter. Criteria: CeGaT Center For Human Genetics Tuebingen Variant Classification Criteria Version 2. Collection method: clinical testing. Allele origin: germline. Affected: yes. Observed: 1 variant allele.
Comment: FOXH1: BP4, BP7

Labcorp Genetics (formerly Invitae), Labcorp
Classification: Likely benign for Holoprosencephaly sequence. Last evaluated: 2025-08-03. Review status: criteria provided, single submitter. Criteria: Invitae Variant Classification Sherloc (09022015). Collection method: clinical testing. Allele origin: germline.